The following is an entry in ClinVar:

NM_000142.5(FGFR3):c.2260G>C (p.Val754Leu)

Gene: FGFR3 (fibroblast growth factor receptor 3; plus strand). Cytogenetic location: 4p16.3.
Variant type: single nucleotide variant.
Coding change: c.2260G>C on transcript NM_000142.5 (MANE Select); coding-DNA position 2260, G replaced by C.
Protein change: p.Val754Leu; replaces valine 754 with leucine.
Molecular consequence: missense variant. On other transcripts: non-coding transcript variant (1).
Genome position (GRCh38, 1-based): chr4:1,806,920, G>C. VCF-style: chr4-1806920-G-C. GRCh37 (hg19) VCF-style: chr4-1808647-G-C.
Other names: c.2266G>C, p.Val756Leu (NM_001163213.2); c.2263G>C, p.Val755Leu (NM_001354809.2); c.2192G>C, p.Arg731Pro (NM_001354810.2); c.1924G>C, p.Val642Leu (NM_022965.4); short protein forms V754L, V642L, R731P, V755L, V756L.
Identifiers: ClinVar variation 3636997 (VCV003636997.2).

ClinVar aggregate classification (germline): Uncertain significance (1 of 4 stars; one submission).

gnomAD v4.1: 1 of 1,609,092 alleles (0.000062%); highest among the groups gnomAD compares: South Asian, 0.0011%; no homozygotes.

Submission:

Labcorp Genetics (formerly Invitae), Labcorp
Classification: Uncertain significance. Last evaluated: 2024-09-28. Review status: criteria provided, single submitter. Criteria: Invitae Variant Classification Sherloc (09022015). Collection method: clinical testing. Allele origin: germline.
Comment: This sequence change replaces valine, which is neutral and non-polar, with leucine, which is neutral and non-polar, at codon 754 of the FGFR3 protein (p.Val754Leu). This variant is not present in population databases (gnomAD no frequency). This variant has not been reported in the literature in individuals affected with FGFR3-related conditions. Invitae Evidence Modeling of protein sequence and biophysical properties (such as structural, functional, and spatial information, amino acid conservation, physicochemical variation, residue mobility, and thermodynamic stability) indicates that this missense variant is not expected to disrupt FGFR3 protein function with a negative predictive value of 95%. In summary, the available evidence is currently insufficient to determine the role of this variant in disease. Therefore, it has been classified as a Variant of Uncertain Significance.